The following is an entry in ClinVar:

ClinVar aggregate classification (germline): Uncertain significance (1 of 4 stars; one submission).

gnomAD v4.1: 1 of 1,613,104 alleles (0.000062%); no homozygotes.

Submission:

Labcorp Genetics (formerly Invitae), Labcorp
Classification: Uncertain significance. Last evaluated: 2025-08-05. Review status: criteria provided, single submitter. Criteria: Invitae Variant Classification Sherloc (09022015). Collection method: clinical testing. Allele origin: germline.
Comment: This sequence change affects the initiator codon of the SEPT9 mRNA. This change may impact translation initiation or efficiency. The next in-frame methionine is located at codon 147. This variant is not present in population databases (gnomAD no frequency). This variant has not been reported in the literature in individuals affected with SEPT9-related conditions. Experimental studies and prediction algorithms are not available or were not evaluated, and the functional significance of this variant is currently unknown. In summary, the available evidence is currently insufficient to determine the role of this variant in disease. Therefore, it has been classified as a Variant of Uncertain Significance.

NM_006640.5(SEPTIN9):c.2T>C (p.Met1Thr)

Gene: SEPTIN9 (septin 9; plus strand). Cytogenetic location: 17q25.3.
Variant type: single nucleotide variant.
Coding change: c.2T>C on transcript NM_006640.5 (MANE Plus Clinical); coding-DNA position 2, T replaced by C.
Protein change: p.Met1Thr; changes the start codon (methionine 1).
Molecular consequence: missense variant, initiator codon variant. On other transcripts: intron variant (3).
Genome position (GRCh38, 1-based): chr17:77,320,328, T>C. VCF-style: chr17-77320328-T-C. GRCh37 (hg19) VCF-style: chr17-75316410-T-C.
Other names: c.76+13131T>C (NM_001113491.2); c.19+38774T>C (NM_001293695.2); c.-417+13131T>C (NM_001113492.2); short protein forms M1T.
Identifiers: ClinVar variation 4724852 (VCV004724852.1).